The following is an entry in ClinVar:

NM_005751.5(AKAP9):c.4925C>T (p.Ser1642Phe)

Genes: AKAP9 (A-kinase anchoring protein 9; plus strand), LOC121175350 (Sharpr-MPRA regulatory region 2641; plus strand). Cytogenetic location: 7q21.2.
Variant type: single nucleotide variant.
Coding change: c.4925C>T on transcript NM_005751.5 (MANE Select); coding-DNA position 4925, C replaced by T.
Protein change: p.Ser1642Phe; replaces serine 1642 with phenylalanine.
Molecular consequence: missense variant.
Genome position (GRCh38, 1-based): chr7:92,042,053, C>T. VCF-style: chr7-92042053-C-T. GRCh37 (hg19) VCF-style: chr7-91671367-C-T.
Other names: c.4925C>T, p.Ser1642Phe (NM_147185.3); short protein forms S1642F.
Identifiers: ClinVar variation 2560656 (VCV002560656.2), dbSNP rs763151288, ClinGen allele CA368129907.

ClinVar aggregate classification (germline): Uncertain significance (1 of 4 stars; one submission).

Conditions:
Cardiovascular phenotype. Identifiers: MedGen CN230736.

Submission:

Ambry Genetics
Classification: Uncertain significance for Cardiovascular phenotype. Last evaluated: 2023-05-30. Review status: criteria provided, single submitter. Criteria: Ambry Variant Classification Scheme 2023. Collection method: clinical testing. Allele origin: germline.
Comment: The p.S1642F variant (also known as c.4925C>T), located in coding exon 19 of the AKAP9 gene, results from a C to T substitution at nucleotide position 4925. The serine at codon 1642 is replaced by phenylalanine, an amino acid with highly dissimilar properties. This amino acid position is conserved. In addition, this alteration is predicted to be tolerated by in silico analysis. Since supporting evidence is limited at this time, the clinical significance of this alteration remains unclear.